The following is an entry in ClinVar:

NM_014956.5(CEP164):c.3335G>A (p.Ser1112Asn)

Gene: CEP164 (centrosomal protein 164; plus strand). Cytogenetic location: 11q23.3.
Variant type: single nucleotide variant.
Coding change: c.3335G>A on transcript NM_014956.5 (MANE Select); coding-DNA position 3335, G replaced by A.
Protein change: p.Ser1112Asn; replaces serine 1112 with asparagine.
Molecular consequence: missense variant.
Genome position (GRCh38, 1-based): chr11:117,397,147, G>A. VCF-style: chr11-117397147-G-A. GRCh37 (hg19) VCF-style: chr11-117267863-G-A.
Other names: c.3344G>A, p.Ser1115Asn (NM_001271933.2); short protein forms S1112N, S1115N.
Identifiers: ClinVar variation 1060999 (VCV001060999.9), dbSNP rs1182752473, ClinGen allele CA382735515.

ClinVar aggregate classification (germline): Uncertain significance (1 of 4 stars; one submission).

Conditions:
Nephronophthisis 15 (NPHP15). Identifiers: Orphanet 3156, MedGen C3541853, MONDO:0013917, OMIM 614845.

Allele frequency attached by ClinVar (database versions not stated): TOPMed below 0.00001; gnomAD 0.00001.
gnomAD v4.1: 1 of 1,614,118 alleles (0.000062%); highest among the groups gnomAD compares: African/African-American, 0.0013%; no homozygotes.

Submission:

Labcorp Genetics (formerly Invitae), Labcorp
Classification: Uncertain significance for Nephronophthisis 15. Last evaluated: 2020-01-27. Review status: criteria provided, single submitter. Criteria: Invitae Variant Classification Sherloc (09022015). Collection method: clinical testing. Allele origin: germline.
Comment: In summary, the available evidence is currently insufficient to determine the role of this variant in disease. Therefore, it has been classified as a Variant of Uncertain Significance. Algorithms developed to predict the effect of missense changes on protein structure and function output the following: SIFT: "Tolerated"; PolyPhen-2: "Benign"; Align-GVGD: "Class C0". The asparagine amino acid residue is found in multiple mammalian species, suggesting that this missense change does not adversely affect protein function. These predictions have not been confirmed by published functional studies and their clinical significance is uncertain. This variant has not been reported in the literature in individuals with CEP164-related conditions. This variant is not present in population databases (ExAC no frequency). This sequence change replaces serine with asparagine at codon 1112 of the CEP164 protein (p.Ser1112Asn). The serine residue is moderately conserved and there is a small physicochemical difference between serine and asparagine.